The following is an entry in ClinVar:

NM_015681.6(B9D1):c.30A>G (p.Leu10=)

Genes: B9D1 (B9 domain containing 1; minus strand), LOC130060455 (ATAC-STARR-seq lymphoblastoid silent region 8288; plus strand). Cytogenetic location: 17p11.2.
Variant type: single nucleotide variant.
Coding change: c.30A>G on transcript NM_015681.6 (MANE Select); coding-DNA position 30, A replaced by G.
Protein change: p.Leu10=; no amino-acid change (leucine 10 retained).
Molecular consequence: synonymous variant. On other transcripts: intron variant (1).
Genome position (GRCh38, 1-based): chr17:19,362,540, T>C on the plus strand (A>G on the coding strand, the complement: B9D1 is on the minus strand). VCF-style: chr17-19362540-T-C. GRCh37 (hg19) VCF-style: chr17-19265853-T-C.
Other names: c.30A>G, p.Leu10= (NM_001321214.2, NM_001321215.3, NM_001321216.2 and 4 more transcripts); c.-297-2152A>G (NM_001368769.2).
Identifiers: ClinVar variation 3030388 (VCV003030388.4), dbSNP rs781395275, ClinGen allele CA498585014.
Genomic context (GRCh38, chr17:19,362,540, plus strand): 5'-GCCCCGGCGGGGTCCACGGCCGCTCACCTGGGCGCTCTCCACCTGCCCGTTGACCATGAG[T>C]AGAAAGACGCTAGGACTCGCGGTCGCCATGGCAGGTCTGGGGGTGCCGGGGGGACCCACC-3'
Protein context (NP_056496.1, residues 1-20): MATASPSVF[Leu10=]LMVNGQVESA

ClinVar aggregate classification (germline): Likely benign. Review status: criteria provided, single submitter (1 of 4 stars). 2 submissions from 2 submitters: Likely benign (1). 1 of the submissions does not count toward it. Last evaluated 2026-01-07.

Conditions:
Joubert syndrome. Also called: Familial aplasia of the vermis; JOUBERT-BOLTSHAUSER SYNDROME. Identifiers: Orphanet 475, MedGen C5979921, MONDO:0018772.
Meckel-Gruber syndrome. Also called: Dysencephalia splachnocystica; DYSENCEPHALIA SPLANCHNOCYSTICA; GRUBER SYNDROME. Identifiers: Orphanet 564, MedGen C0265215, MONDO:0018921.
B9D1-related disorder. Also called: B9D1-related condition; B9D1-related disorders.

Allele frequency attached by ClinVar (database versions not stated): TOPMed below 0.00001.
gnomAD v4.1: 3 of 1,587,480 alleles (0.00019%); highest among the groups gnomAD compares: Admixed American, 0.0018%; no homozygotes.

Submissions (2):

Labcorp Genetics (formerly Invitae), Labcorp
Classification: Likely benign for Joubert syndrome; Meckel-Gruber syndrome. Last evaluated: 2026-01-07. Review status: criteria provided, single submitter. Criteria: Invitae Variant Classification Sherloc (09022015). Collection method: clinical testing. Allele origin: germline.

PreventionGenetics, part of Exact Sciences
Classification: Likely benign for B9D1-related condition. Last evaluated: 2021-01-05. Review status: no assertion criteria provided. Collection method: clinical testing. Allele origin: germline. Not counted in ClinVar's aggregate classification.
Comment: This variant is classified as likely benign based on ACMG/AMP sequence variant interpretation guidelines (Richards et al. 2015 PMID: 25741868, with internal and published modifications).